The following is an entry in ClinVar:

NM_001337.4(CX3CR1):c.74A>G (p.Asp25Gly)

Gene: CX3CR1 (C-X3-C motif chemokine receptor 1; minus strand). Cytogenetic location: 3p22.2.
Variant type: single nucleotide variant.
Coding change: c.74A>G on transcript NM_001337.4 (MANE Select); coding-DNA position 74, A replaced by G.
Protein change: p.Asp25Gly; replaces aspartic acid 25 with glycine.
Molecular consequence: missense variant.
Genome position (GRCh38, 1-based): chr3:39,266,436, T>C on the plus strand (A>G on the coding strand, the complement: CX3CR1 is on the minus strand). VCF-style: chr3-39266436-T-C. GRCh37 (hg19) VCF-style: chr3-39307927-T-C.
Other names: c.74A>G, p.Asp25Gly (NM_001171171.2, NM_001171172.2); c.170A>G, p.Asp57Gly (NM_001171174.1); short protein forms D25G, D57G.
Identifiers: ClinVar variation 777570 (VCV000777570.5), dbSNP rs139019894, ClinGen allele CA2327021.

ClinVar aggregate classification (germline): Likely benign. Review status: criteria provided, single submitter (1 of 4 stars). 2 submissions from 2 submitters: Likely benign (1). 1 of the submissions does not count toward it. Last evaluated 2018-03-29.

Conditions:
CX3CR1-related disorder. Also called: CX3CR1-related condition.

Allele frequency attached by ClinVar (database versions not stated): ESP Exome Variant Server 0.00090; gnomAD 0.00111; 1000 Genomes Project 30x 0.00141; 1000 Genomes Project 0.00160; gnomAD exomes 0.00170 and 0.00174; ExAC 0.00182; TOPMed 0.00198.
gnomAD v4.1: 2,810 of 1,614,150 alleles (0.17%); highest among the groups gnomAD compares: Middle Eastern, 0.59%; 9 homozygotes.

Submissions (2):

Labcorp Genetics (formerly Invitae), Labcorp
Classification: Likely benign. Last evaluated: 2018-03-29. Review status: criteria provided, single submitter. Criteria: Invitae Variant Classification Sherloc (09022015). Collection method: clinical testing. Allele origin: germline.

PreventionGenetics, part of Exact Sciences
Classification: Likely benign for CX3CR1-related condition. Last evaluated: 2020-06-23. Review status: no assertion criteria provided. Collection method: clinical testing. Allele origin: germline. Not counted in ClinVar's aggregate classification.
Comment: This variant is classified as likely benign based on ACMG/AMP sequence variant interpretation guidelines (Richards et al. 2015 PMID: 25741868, with internal and published modifications).